The following is an entry in ClinVar:

NM_015702.3(MMADHC):c.609+322_609+333del

Gene: MMADHC (metabolism of cobalamin associated D; minus strand). Cytogenetic location: 2q23.2.
Variant type: Deletion.
Coding change: c.609+322_609+333del on transcript NM_015702.3 (MANE Select); bases 322 to 333 of the intron after coding-DNA position 609, 12 bases deleted (CTTCATCTCCCC).
Molecular consequence: intron variant.
Genome position (GRCh38, 1-based): chr2:149,575,378-149,575,389, GGGGAGATGAAG deleted on the plus strand (CTTCATCTCCCC on the coding strand, the reverse complement: MMADHC is on the minus strand); deleting any 12 consecutive bases within chr2:149,575,378-149,575,398 gives the same sequence; the c. name uses the placement nearest the transcript's 3' end. VCF-style (leftmost placement, unchanged base first): chr2-149575377-TGGGGAGATGAAG-T. GRCh37 (hg19) VCF-style: chr2-150431891-TGGGGAGATGAAG-T.
Identifiers: ClinVar variation 682623 (VCV000682623.1), dbSNP rs66640457, ClinGen allele CA58332902.

ClinVar aggregate classification (germline): Benign (1 of 4 stars; one submission).

Submission:

GeneDx
Classification: Benign. Last evaluated: 2018-06-19. Review status: criteria provided, single submitter. Criteria: GeneDx Variant Classification (06012015). Collection method: clinical testing. Allele origin: germline. Affected: yes.
Comment: This variant is considered likely benign or benign based on one or more of the following criteria: it is a conservative change, it occurs at a poorly conserved position in the protein, it is predicted to be benign by multiple in silico algorithms, and/or has population frequency not consistent with disease.